The following is an entry in ClinVar:

ClinVar aggregate classification (germline): Uncertain significance (1 of 4 stars; one submission).

Conditions:
PLXNA4-related disorder. Also called: PLXNA4-related condition.

Submission:

PreventionGenetics, part of Exact Sciences
Classification: Uncertain significance for PLXNA4-related condition. Last evaluated: 2025-02-21. Review status: criteria provided, single submitter. Criteria: ACMG Guidelines, 2015. Collection method: clinical testing. Allele origin: germline.
Comment: The PLXNA4 c.4824_4829delinsCTCCACCGTCTGGAGT variant is predicted to result in a frameshift and premature protein termination (p.Asn1609Serfs*15). To our knowledge, this variant has not been reported in the literature or in a large population database (gnomAD), indicating this variant is rare. Loss of function is not a conclusively established mechanism for PLXNA4-related disease (Human Gene Mutation Database). At this time, the clinical significance of this variant is uncertain due to the absence of conclusive functional and genetic evidence.

NM_020911.2(PLXNA4):c.4824_4829delinsCTCCACCGTCTGGAGT (p.Asn1609fs)

Gene: PLXNA4 (plexin A4; minus strand). Cytogenetic location: 7q32.3.
Variant type: Indel.
Coding change: c.4824_4829delinsCTCCACCGTCTGGAGT on transcript NM_020911.2 (MANE Select); coding-DNA positions 4824 to 4829, GAACAA replaced by CTCCACCGTCTGGAGT.
Protein change: p.Asn1609fs; shifts the reading frame from asparagine 1609.
Molecular consequence: frameshift variant.
Genome position (GRCh38, 1-based): chr7:132,147,935-132,147,940, TTGTTC replaced by ACTCCAGACGGTGGAG on the plus strand (GAACAA replaced by CTCCACCGTCTGGAGT on the coding strand, the reverse complement: PLXNA4 is on the minus strand). VCF-style: chr7-132147935-TTGTTC-ACTCCAGACGGTGGAG. GRCh37 (hg19) VCF-style: chr7-131832694-TTGTTC-ACTCCAGACGGTGGAG.
Other names: c.4824_4829delinsCTCCACCGTCTGGAGT, p.Asn1609fs (NM_001393897.1); short protein forms N1609fs.
Identifiers: ClinVar variation 4996965 (VCV004996965.1).